The following is an entry in ClinVar:

NM_003873.7(NRP1):c.2458C>T (p.Pro820Ser)

Gene: NRP1 (neuropilin 1; minus strand). Cytogenetic location: 10p11.22.
Variant type: single nucleotide variant.
Coding change: c.2458C>T on transcript NM_003873.7 (MANE Select); coding-DNA position 2458, C replaced by T.
Protein change: p.Pro820Ser; replaces proline 820 with serine.
Molecular consequence: missense variant. On other transcripts: non-coding transcript variant (1), intron variant (1).
Genome position (GRCh38, 1-based): chr10:33,182,722, G>A on the plus strand (C>T on the coding strand, the complement: NRP1 is on the minus strand). VCF-style: chr10-33182722-G-A. GRCh37 (hg19) VCF-style: chr10-33471650-G-A.
Other names: c.2440C>T, p.Pro814Ser (NM_001244972.2); c.2437C>T, p.Pro813Ser (NM_001244973.2); c.2432-2357C>T (NM_001330068.2); short protein forms P813S, P814S, P820S.
Identifiers: ClinVar variation 3357862 (VCV003357862.1).

ClinVar aggregate classification (germline): Uncertain significance (0 of 4 stars; one submission).

Conditions:
NRP1-related disorder. Also called: NRP1-related condition.

Submission:

PreventionGenetics, part of Exact Sciences
Classification: Uncertain significance for NRP1-related condition. Last evaluated: 2023-12-18. Review status: no assertion criteria provided. Collection method: clinical testing. Allele origin: germline.
Comment: The NRP1 c.2458C>T variant is predicted to result in the amino acid substitution p.Pro820Ser. To our knowledge, this variant has not been reported in the literature or in a large population database, indicating this variant is rare. At this time, the clinical significance of this variant is uncertain due to the absence of conclusive functional and genetic evidence.